The following is an entry in ClinVar:

NM_031307.4(PUS3):c.1294C>T (p.Arg432Cys)

Genes: HYLS1 (HYLS1 centriolar and ciliogenesis associated; plus strand), PUS3 (pseudouridine synthase 3; minus strand). Cytogenetic location: 11q24.2.
Variant type: single nucleotide variant.
Coding change: c.1294C>T on transcript NM_031307.4 (MANE Select); coding-DNA position 1294, C replaced by T.
Protein change: p.Arg432Cys; replaces arginine 432 with cysteine.
Molecular consequence: missense variant. On other transcripts: intron variant (5).
Genome position (GRCh38, 1-based): chr11:125,893,937, G>A on the plus strand (C>T on the coding strand, the complement: PUS3 is on the minus strand). VCF-style: chr11-125893937-G-A. GRCh37 (hg19) VCF-style: chr11-125763832-G-A.
Other names: c.670C>T, p.Arg224Cys (NM_001271985.2); c.-81+2465G>A (NM_145014.3); c.-26+2465G>A (NM_001134793.2); c.-23+2465G>A (NM_001424364.1); c.-25-5407G>A (NM_001377269.1); c.-22-5410G>A (NM_001377270.1); c.1294C>T (NM_031307.3); short protein forms R224C, R432C.
Identifiers: ClinVar variation 1502115 (VCV001502115.6), dbSNP rs148155223, ClinGen allele CA6350345.

ClinVar aggregate classification (germline): Uncertain significance. Review status: criteria provided, multiple submitters, no conflicts (2 of 4 stars). 2 submissions from 2 submitters: Uncertain significance (2). Last evaluated 2025-11-26.

Conditions:
Inborn genetic diseases. Identifiers: MedGen C0950123, MeSH D030342.

Allele frequency attached by ClinVar (database versions not stated): ExAC 0.00005; gnomAD exomes 0.00002 and 0.00003; ESP Exome Variant Server 0.00008; gnomAD 0.00007; TOPMed 0.00008.
gnomAD v4.1: 46 of 1,613,926 alleles (0.0029%); highest among the groups gnomAD compares: African/African-American, 0.017%; no homozygotes.

Submissions (2):

Ambry Genetics
Classification: Uncertain significance for Inborn genetic diseases. Last evaluated: 2025-11-26. Review status: criteria provided, single submitter. Criteria: Ambry Variant Classification Scheme 2023. Collection method: clinical testing. Allele origin: germline.

Labcorp Genetics (formerly Invitae), Labcorp
Classification: Uncertain significance. Last evaluated: 2023-07-17. Review status: criteria provided, single submitter. Criteria: Invitae Variant Classification Sherloc (09022015). Collection method: clinical testing. Allele origin: germline.
Comment: In summary, the available evidence is currently insufficient to determine the role of this variant in disease. Therefore, it has been classified as a Variant of Uncertain Significance. This sequence change replaces arginine, which is basic and polar, with cysteine, which is neutral and slightly polar, at codon 432 of the PUS3 protein (p.Arg432Cys). This variant is present in population databases (rs148155223, gnomAD 0.02%). This variant has not been reported in the literature in individuals affected with PUS3-related conditions. ClinVar contains an entry for this variant (Variation ID: 1502115). Advanced modeling of protein sequence and biophysical properties (such as structural, functional, and spatial information, amino acid conservation, physicochemical variation, residue mobility, and thermodynamic stability) performed at Invitae indicates that this missense variant is expected to disrupt PUS3 protein function.